The following is an entry in ClinVar:

NM_006031.6(PCNT):c.837G>A (p.Glu279=)

Gene: PCNT (pericentrin; plus strand). Cytogenetic location: 21q22.3.
Variant type: single nucleotide variant.
Coding change: c.837G>A on transcript NM_006031.6 (MANE Select); coding-DNA position 837, G replaced by A.
Protein change: p.Glu279=; no amino-acid change (glutamic acid 279 retained).
Molecular consequence: synonymous variant.
Genome position (GRCh38, 1-based): chr21:46,346,859, G>A. VCF-style: chr21-46346859-G-A. GRCh37 (hg19) VCF-style: chr21-47766773-G-A.
Other names: c.483G>A, p.Glu161= (NM_001315529.2).
Identifiers: ClinVar variation 4993486 (VCV004993486.1).

ClinVar aggregate classification (germline): Likely benign (1 of 4 stars; one submission).

Conditions:
PCNT-related disorder. Also called: PCNT-related condition.

Submission:

PreventionGenetics, part of Exact Sciences
Classification: Likely benign for PCNT-related condition. Last evaluated: 2026-04-22. Review status: criteria provided, single submitter. Criteria: ACMG Guidelines, 2015. Collection method: clinical testing. Allele origin: germline.
Comment: This variant is classified as likely benign based on ACMG/AMP sequence variant interpretation guidelines (Richards et al. 2015 PMID: 25741868, with internal and published modifications).